The following is an entry in ClinVar:

NM_000057.4(BLM):c.3136G>A (p.Gly1046Ser)

Gene: BLM (BLM RecQ like helicase; plus strand). Cytogenetic location: 15q26.1.
Variant type: single nucleotide variant.
Coding change: c.3136G>A on transcript NM_000057.4 (MANE Select); coding-DNA position 3136, G replaced by A.
Protein change: p.Gly1046Ser; replaces glycine 1046 with serine.
Molecular consequence: missense variant.
Genome position (GRCh38, 1-based): chr15:90,794,283, G>A. VCF-style: chr15-90794283-G-A. GRCh37 (hg19) VCF-style: chr15-91337513-G-A.
Other names: c.3136G>A, p.Gly1046Ser (NM_001287246.2, NM_001287247.2); c.2011G>A, p.Gly671Ser (NM_001287248.2); c.3136G>A (NM_000057.2); short protein forms G1046S, G671S.
Identifiers: ClinVar variation 1019545 (VCV001019545.9), dbSNP rs373241803, ClinGen allele CA7738943.
Genomic context (GRCh38, chr15:90,794,283, plus strand): 5'-ATGGTACATTACTGTGAAAATATAACGGAATGCAGGAGAATACAGCTTTTGGCCTACTTT[G>A]GTGAAAATGGATTTAATCCTGATTTTTGTAAGAAACACCCAGATGTTTCTTGTGATAATT-3'
Protein context (NP_000048.1, residues 1036-1056): CRRIQLLAYF[Gly1046Ser]ENGFNPDFCK

ClinVar aggregate classification (germline): Uncertain significance. Review status: criteria provided, multiple submitters, no conflicts (2 of 4 stars). 3 submissions from 3 submitters: Uncertain significance (2). 1 of the submissions does not count toward it. Last evaluated 2024-10-24.

Conditions:
Hereditary cancer-predisposing syndrome. Also called: Tumor predisposition; Neoplastic Syndromes, Hereditary; Hereditary neoplastic syndrome; Hereditary Cancer Syndrome. Identifiers: Orphanet 140162, MedGen C0027672, MeSH D009386, MONDO:0015356.
Bloom syndrome (BLM). Also called: Bloom-Torre-Machacek syndrome. Identifiers: Orphanet 125, MedGen C0005859, MONDO:0008876, OMIM 210900.

Allele frequency attached by ClinVar (database versions not stated): gnomAD exomes below 0.00001; ExAC 0.00001; TOPMed 0.00003; gnomAD 0.00005; ESP Exome Variant Server 0.00008.
gnomAD v4.1: 9 of 1,606,786 alleles (0.00056%); highest among the groups gnomAD compares: African/African-American, 0.011%; no homozygotes.

Submissions (3):

Labcorp Genetics (formerly Invitae), Labcorp
Classification: Uncertain significance for Bloom syndrome. Last evaluated: 2024-10-24. Review status: criteria provided, single submitter. Criteria: Invitae Variant Classification Sherloc (09022015). Collection method: clinical testing. Allele origin: germline.
Comment: This sequence change replaces glycine, which is neutral and non-polar, with serine, which is neutral and polar, at codon 1046 of the BLM protein (p.Gly1046Ser). This variant is present in population databases (rs373241803, gnomAD 0.007%). This variant has not been reported in the literature in individuals affected with BLM-related conditions. ClinVar contains an entry for this variant (Variation ID: 1019545). Invitae Evidence Modeling of protein sequence and biophysical properties (such as structural, functional, and spatial information, amino acid conservation, physicochemical variation, residue mobility, and thermodynamic stability) indicates that this missense variant is expected to disrupt BLM protein function with a positive predictive value of 80%. In summary, the available evidence is currently insufficient to determine the role of this variant in disease. Therefore, it has been classified as a Variant of Uncertain Significance.

Ambry Genetics
Classification: Uncertain significance for Hereditary cancer-predisposing syndrome. Last evaluated: 2024-02-22. Review status: criteria provided, single submitter. Criteria: Ambry Variant Classification Scheme 2023. Collection method: clinical testing. Allele origin: germline.
Comment: The p.G1046S variant (also known as c.3136G>A), located in coding exon 15 of the BLM gene, results from a G to A substitution at nucleotide position 3136. The glycine at codon 1046 is replaced by serine, an amino acid with similar properties. This amino acid position is conserved. In addition, this alteration is predicted to be deleterious by in silico analysis. Since supporting evidence is limited at this time, the clinical significance of this alteration remains unclear.

Natera, Inc.
Classification: Uncertain significance for Bloom syndrome. Last evaluated: 2019-07-08. Review status: no assertion criteria provided. Collection method: clinical testing. Allele origin: germline. Not counted in ClinVar's aggregate classification.